The following is an entry in ClinVar:

ClinVar aggregate classification (germline): Likely benign (1 of 4 stars; one submission).

Submission:

CeGaT Center for Human Genetics Tuebingen
Classification: Likely benign. Last evaluated: 2025-10-01. Review status: criteria provided, single submitter. Criteria: CeGaT Center For Human Genetics Tuebingen Variant Classification Criteria Version 2. Collection method: clinical testing. Allele origin: germline. Affected: yes. Observed: 2 variant alleles.
Comment: PGA3: BP4, BP7

NM_001079807.4(PGA3):c.867C>T (p.Pro289=)

Gene: PGA3 (pepsinogen A3; plus strand). Cytogenetic location: 11q12.2.
Variant type: single nucleotide variant.
Coding change: c.867C>T on transcript NM_001079807.4 (MANE Select); coding-DNA position 867, C replaced by T.
Protein change: p.Pro289=; no amino-acid change (proline 289 retained).
Molecular consequence: synonymous variant.
Genome position (GRCh38, 1-based): chr11:61,211,183, C>T. VCF-style: chr11-61211183-C-T. GRCh37 (hg19) VCF-style: chr11-60978655-C-T.
Identifiers: ClinVar variation 3777979 (VCV003777979.7).